The following is an entry in ClinVar:

NM_000843.4(GRM6):c.1715G>A (p.Arg572His)

Genes: GRM6 (glutamate metabotropic receptor 6; minus strand), ZNF454 (zinc finger protein 454; plus strand). Cytogenetic location: 5q35.3.
Variant type: single nucleotide variant.
Coding change: c.1715G>A on transcript NM_000843.4 (MANE Select); coding-DNA position 1715, G replaced by A.
Protein change: p.Arg572His; replaces arginine 572 with histidine.
Molecular consequence: missense variant.
Genome position (GRCh38, 1-based): chr5:178,986,539, C>T on the plus strand (G>A on the coding strand, the complement: GRM6 is on the minus strand). VCF-style: chr5-178986539-C-T. GRCh37 (hg19) VCF-style: chr5-178413540-C-T.
Other names: short protein forms R572H.
Identifiers: ClinVar variation 1460900 (VCV001460900.6), dbSNP rs921855440, ClinGen allele CA133025913.

ClinVar aggregate classification (germline): Uncertain significance (1 of 4 stars; one submission).

Allele frequency attached by ClinVar (database versions not stated): gnomAD exomes below 0.00001; gnomAD 0.00003; TOPMed 0.00005.
gnomAD v4.1: 12 of 1,607,444 alleles (0.00075%); highest among the groups gnomAD compares: African/African-American, 0.0067%; no homozygotes.

Submission:

Labcorp Genetics (formerly Invitae), Labcorp
Classification: Uncertain significance. Last evaluated: 2022-06-13. Review status: criteria provided, single submitter. Criteria: Invitae Variant Classification Sherloc (09022015). Collection method: clinical testing. Allele origin: germline.
Comment: In summary, the available evidence is currently insufficient to determine the role of this variant in disease. Therefore, it has been classified as a Variant of Uncertain Significance. Advanced modeling of protein sequence and biophysical properties (such as structural, functional, and spatial information, amino acid conservation, physicochemical variation, residue mobility, and thermodynamic stability) performed at Invitae indicates that this missense variant is not expected to disrupt GRM6 protein function. This variant has not been reported in the literature in individuals affected with GRM6-related conditions. This variant is present in population databases (no rsID available, gnomAD 0.007%). This sequence change replaces arginine, which is basic and polar, with histidine, which is basic and polar, at codon 572 of the GRM6 protein (p.Arg572His).